The following is an entry in ClinVar:

NM_006904.7(PRKDC):c.9179C>A (p.Ser3060Tyr)

Gene: PRKDC (protein kinase, DNA-activated, catalytic subunit; minus strand). Cytogenetic location: 8q11.21.
Variant type: single nucleotide variant.
Coding change: c.9179C>A on transcript NM_006904.7 (MANE Select); coding-DNA position 9179, C replaced by A.
Protein change: p.Ser3060Tyr; replaces serine 3060 with tyrosine.
Molecular consequence: missense variant.
Genome position (GRCh38, 1-based): chr8:47,820,876, G>T on the plus strand (C>A on the coding strand, the complement: PRKDC is on the minus strand). VCF-style: chr8-47820876-G-T. GRCh37 (hg19) VCF-style: chr8-48733437-G-T.
Other names: c.9179C>A, p.Ser3060Tyr (NM_001081640.2); short protein forms S3060Y.
Identifiers: ClinVar variation 2624578 (VCV002624578.2), dbSNP rs2551865374, ClinGen allele CA371139731.

ClinVar aggregate classification (germline): Uncertain significance (1 of 4 stars; one submission).

Submission:

Ambry Genetics
Classification: Uncertain significance. Last evaluated: 2023-06-24. Review status: criteria provided, single submitter. Criteria: Ambry Variant Classification Scheme 2023. Collection method: clinical testing. Allele origin: germline.
Comment: The p.S3060Y variant (also known as c.9179C>A), located in coding exon 66 of the PRKDC gene, results from a C to A substitution at nucleotide position 9179. The serine at codon 3060 is replaced by tyrosine, an amino acid with dissimilar properties. This amino acid position is conserved. Since supporting evidence is limited at this time, the clinical significance of this alteration remains unclear.